The following is an entry in ClinVar:

NM_022437.3(ABCG8):c.1573C>G (p.Leu525Val)

Gene: ABCG8 (ATP binding cassette subfamily G member 8; plus strand). Cytogenetic location: 2p21.
Variant type: single nucleotide variant.
Coding change: c.1573C>G on transcript NM_022437.3 (MANE Select); coding-DNA position 1573, C replaced by G.
Protein change: p.Leu525Val; replaces leucine 525 with valine.
Molecular consequence: missense variant.
Genome position (GRCh38, 1-based): chr2:43,875,230, C>G. VCF-style: chr2-43875230-C-G. GRCh37 (hg19) VCF-style: chr2-44102369-C-G.
Other names: c.1570C>G, p.Leu524Val (NM_001357321.2); short protein forms L524V, L525V.
Identifiers: ClinVar variation 3227774 (VCV003227774.1), dbSNP rs1413219813, ClinGen allele CA346670369.
Genomic context (GRCh38, chr2:43,875,230, plus strand): 5'-TGTGCCTACATCATCATCTACGGGATGCCCACCTACTGGCTGGCCAACCTGAGGCCAGGC[C>G]TCCAGCCCTTCCTGCTGCACTTCCTGCTGGTGTGGCTGGTGGTCTTCTGTTGCAGGATTA-3'
Protein context (NP_071882.1, residues 515-535): TYWLANLRPG[Leu525Val]QPFLLHFLLV

ClinVar aggregate classification (germline): Uncertain significance (1 of 4 stars; one submission).

Conditions:
Cardiovascular phenotype. Identifiers: MedGen CN230736.

gnomAD v4.1: 13 of 1,614,232 alleles (0.00081%); highest among the groups gnomAD compares: Non-Finnish European, 0.0011%; no homozygotes.

Submission:

Ambry Genetics
Classification: Uncertain significance for Cardiovascular phenotype. Last evaluated: 2024-01-06. Review status: criteria provided, single submitter. Criteria: Ambry Variant Classification Scheme 2023. Collection method: clinical testing. Allele origin: germline.
Comment: The p.L525V variant (also known as c.1573C>G), located in coding exon 11 of the ABCG8 gene, results from a C to G substitution at nucleotide position 1573. The leucine at codon 525 is replaced by valine, an amino acid with highly similar properties. This amino acid position is conserved. In addition, this alteration is predicted to be tolerated by in silico analysis. Since supporting evidence is limited at this time, the clinical significance of this alteration remains unclear.